The following is an entry in ClinVar:

ClinVar aggregate classification (germline): Uncertain significance (1 of 4 stars; one submission).

gnomAD v4.1: 1 of 1,360,700 alleles (0.000073%); highest among the groups gnomAD compares: Non-Finnish European, 0.000098%; no homozygotes.

Submission:

Labcorp Genetics (formerly Invitae), Labcorp
Classification: Uncertain significance. Last evaluated: 2025-04-17. Review status: criteria provided, single submitter. Criteria: Invitae Variant Classification Sherloc (09022015). Collection method: clinical testing. Allele origin: germline.
Comment: This sequence change replaces tyrosine, which is neutral and polar, with histidine, which is basic and polar, at codon 280 of the COL11A2 protein (p.Tyr280His). This variant is not present in population databases (gnomAD no frequency). This variant has not been reported in the literature in individuals affected with COL11A2-related conditions. Invitae Evidence Modeling of protein sequence and biophysical properties (such as structural, functional, and spatial information, amino acid conservation, physicochemical variation, residue mobility, and thermodynamic stability) indicates that this missense variant is not expected to disrupt COL11A2 protein function with a negative predictive value of 95%. In summary, the available evidence is currently insufficient to determine the role of this variant in disease. Therefore, it has been classified as a Variant of Uncertain Significance.

NM_080680.3(COL11A2):c.838T>C (p.Tyr280His)

Gene: COL11A2 (collagen type XI alpha 2 chain; minus strand). Cytogenetic location: 6p21.32.
Variant type: single nucleotide variant.
Coding change: c.838T>C on transcript NM_080680.3 (MANE Select); coding-DNA position 838, T replaced by C.
Protein change: p.Tyr280His; replaces tyrosine 280 with histidine.
Molecular consequence: missense variant. On other transcripts: 5 prime UTR variant (3), intron variant (2).
Genome position (GRCh38, 1-based): chr6:33,185,739, A>G on the plus strand (T>C on the coding strand, the complement: COL11A2 is on the minus strand). VCF-style: chr6-33185739-A-G. GRCh37 (hg19) VCF-style: chr6-33153516-A-G.
Other names: c.838T>C, p.Tyr280His (NM_001424108.1); c.-9T>C (NM_001424109.1, NM_001424110.1, NM_001424111.1); c.798+888T>C (NM_080679.3); c.799-685T>C (NM_080681.3); short protein forms Y280H.
Identifiers: ClinVar variation 4801332 (VCV004801332.1).